The following is an entry in ClinVar:

ClinVar aggregate classification (germline): Uncertain significance (1 of 4 stars; one submission).

Conditions:
Inborn genetic diseases. Identifiers: MedGen C0950123, MeSH D030342.

Allele frequency attached by ClinVar (database versions not stated): ExAC 0.00001; gnomAD 0.00001; gnomAD exomes below 0.00001; TOPMed below 0.00001.
gnomAD v4.1: 1 of 1,614,056 alleles (0.000062%); highest among the groups gnomAD compares: Non-Finnish European, 0.000085%; no homozygotes.

Submission:

Ambry Genetics
Classification: Uncertain significance for Inborn genetic diseases. Last evaluated: 2017-02-21. Review status: criteria provided, single submitter. Criteria: Ambry Variant Classification Scheme 2023. Collection method: clinical testing. Allele origin: germline.
Comment: The p.T1293I variant (also known as c.3878C>T), located in coding exon 27 of the SZT2 gene, results from a C to T substitution at nucleotide position 3878. The threonine at codon 1293 is replaced by isoleucine, an amino acid with similar properties. This amino acid position is not well conserved in available vertebrate species. In addition, this alteration is predicted to be tolerated by in silico analysis. Since supporting evidence is limited at this time, the clinical significance of this alteration remains unclear.

NM_001365999.1(SZT2):c.4049C>T (p.Thr1350Ile)

Gene: SZT2 (SZT2 subunit of KICSTOR complex; plus strand). Cytogenetic location: 1p34.2.
Variant type: single nucleotide variant.
Coding change: c.4049C>T on transcript NM_001365999.1 (MANE Select); coding-DNA position 4049, C replaced by T.
Protein change: p.Thr1350Ile; replaces threonine 1350 with isoleucine.
Molecular consequence: missense variant.
Genome position (GRCh38, 1-based): chr1:43,428,369, C>T. VCF-style: chr1-43428369-C-T. GRCh37 (hg19) VCF-style: chr1-43894040-C-T.
Other names: c.3878C>T, p.Thr1293Ile (NM_015284.4); short protein forms T1293I, T1350I.
Identifiers: ClinVar variation 589467 (VCV000589467.5), dbSNP rs754803316, ClinGen allele CA809168.